The following is an entry in ClinVar:

ClinVar aggregate classification (germline): Pathogenic/Likely pathogenic. Review status: criteria provided, multiple submitters, no conflicts (2 of 4 stars). 2 submissions from 2 submitters: Pathogenic (1); Likely pathogenic (1). Last evaluated 2026-05-24.

Conditions:
Polycystic kidney disease 4 (PKD4). Also called: POLYCYSTIC KIDNEY AND HEPATIC DISEASE 1; POLYCYSTIC KIDNEY DISEASE, INFANTILE, TYPE I; PKD3; POLYCYSTIC KIDNEY DISEASE 4 WITH OR WITHOUT POLYCYSTIC LIVER DISEASE; Autosomal Recessive Polycystic Kidney Disease – PKHD1. Identifiers: MedGen C4540575, MONDO:0033004, OMIM 263200.

Allele frequency attached by ClinVar (database versions not stated): gnomAD exomes below 0.00001.
gnomAD v4.1: 2 of 1,610,756 alleles (0.00012%); highest among the groups gnomAD compares: South Asian, 0.0022%; no homozygotes.

Submissions (2):

Myriad Genetics, Inc.
Classification: Pathogenic for Polycystic kidney disease 4. Last evaluated: 2026-05-24. Review status: criteria provided, single submitter. Criteria: Myriad Autosomal Dominant, Autosomal Recessive and X-Linked Classification Criteria (2023). Collection method: clinical testing. Allele origin: unknown.
Comment: NM_138694.3(PKHD1):c.6702C>A(C2234*) is expected to be pathogenic in the context of autosomal recessive polycystic kidney disease, PKHD1-related. This variant is predicted to lead to an abnormal or absent protein product due to the creation of a premature termination codon in PKHD1, a gene where loss-of-function variants are known to be pathogenic. Please note: this variant was assessed in the context of healthy population screening.

Baylor Genetics
Classification: Likely pathogenic for Polycystic kidney disease 4. Last evaluated: 2023-03-21. Review status: criteria provided, single submitter. Criteria: ACMG Guidelines, 2015. Collection method: clinical testing. Allele origin: unknown.

NM_138694.4(PKHD1):c.6702C>A (p.Cys2234Ter)

Gene: PKHD1 (PKHD1 ciliary IPT domain containing fibrocystin/polyductin; minus strand). Cytogenetic location: 6p12.2.
Variant type: single nucleotide variant.
Coding change: c.6702C>A on transcript NM_138694.4 (MANE Select); coding-DNA position 6702, C replaced by A.
Protein change: p.Cys2234Ter; replaces cysteine 2234 with a stop codon.
Molecular consequence: nonsense.
Genome position (GRCh38, 1-based): chr6:51,906,321, G>T on the plus strand (C>A on the coding strand, the complement: PKHD1 is on the minus strand). VCF-style: chr6-51906321-G-T. GRCh37 (hg19) VCF-style: chr6-51771119-G-T.
Other names: c.6702C>A, p.Cys2234Ter (NM_170724.3); short protein forms C2234*.
Identifiers: ClinVar variation 2677831 (VCV002677831.2), dbSNP rs898946249, ClinGen allele CA138908771.